The following is an entry in ClinVar:

ClinVar aggregate classification (germline): Uncertain significance (1 of 4 stars; one submission).

Conditions:
Retinitis pigmentosa 73 (RP73). Identifiers: Orphanet 791, MedGen C4225287, MONDO:0014687, OMIM 616544.
Mucopolysaccharidosis, MPS-III-C (MPS3C). Also called: SANFILIPPO SYNDROME C; MPS IIIC (Sanfilippo Syndrome Type C); MPS III C; Mucopolysaccharidosis type IIIC (Sanfilippo C); MUCOPOLYSACCHARIDOSIS, TYPE IIIC; mucopolysaccharidosis type 3C. Identifiers: Orphanet 581, Orphanet 79271, MedGen C0086649, MONDO:0009657, OMIM 252930.

Submission:

Labcorp Genetics (formerly Invitae), Labcorp
Classification: Uncertain significance for Retinitis pigmentosa 73; Mucopolysaccharidosis, MPS-III-C. Last evaluated: 2022-07-23. Review status: criteria provided, single submitter. Criteria: Invitae Variant Classification Sherloc (09022015). Collection method: clinical testing. Allele origin: germline.
Comment: This variant results in a copy number gain of the genomic region encompassing exon(s) 15-18 of the HGSNAT gene. This region includes the termination codon of the gene. This copy number gain extends beyond the assayed region for this gene and therefore may encompass additional genes. As the precise location of this event is unknown, it may be in tandem or it may be located elsewhere in the genome. This variant has not been reported in the literature in individuals affected with HGSNAT-related conditions. Experimental studies and prediction algorithms are not available or were not evaluated, and the functional significance of this variant is currently unknown. In summary, the available evidence is currently insufficient to determine the role of this variant in disease. Therefore, it has been classified as a Variant of Uncertain Significance.

NC_000008.10:g.(?_43052071)_(43054712_?)dup

Gene: HGSNAT (heparan-alpha-glucosaminide N-acetyltransferase; plus strand). Cytogenetic location: 8p11.21.
Variant type: Duplication.
Identifiers: ClinVar variation 2427382 (VCV002427382.3).